The following is an entry in ClinVar:

ClinVar aggregate classification (germline): Likely pathogenic (1 of 4 stars; one submission).

Conditions:
Pheochromocytoma/paraganglioma syndrome 5. Also called: Paragangliomas 5; SDHA-Related Hereditary Paraganglioma-Pheochromocytoma Syndrome. Identifiers: Orphanet 29072, MedGen C3279992, MONDO:0013602, OMIM 614165.

gnomAD v4.1: 1 of 1,612,988 alleles (0.000062%); highest among the groups gnomAD compares: Non-Finnish European, 0.000085%; no homozygotes.

Submission:

Myriad Genetics, Inc.
Classification: Likely pathogenic for Pheochromocytoma/paraganglioma syndrome 5. Last evaluated: 2026-07-06. Review status: criteria provided, single submitter. Criteria: Myriad Autosomal Dominant, Autosomal Recessive and X-Linked Classification Criteria (2023). Collection method: clinical testing. Allele origin: unknown.
Comment: This variant is considered likely pathogenic. This variant occurs within a consensus splice junction and is predicted to result in abnormal mRNA splicing of either an out-of-frame exon or an in-frame exon necessary for protein stability and/or normal function. mRNA analysis has demonstrated abnormal mRNA splicing occurs [Myriad internal data].

NM_004168.4(SDHA):c.151-2A>C

Gene: SDHA (succinate dehydrogenase complex flavoprotein subunit A; plus strand). Cytogenetic location: 5p15.33.
Variant type: single nucleotide variant.
Coding change: c.151-2A>C on transcript NM_004168.4 (MANE Select); the canonical splice acceptor site of the intron before coding-DNA position 151, A replaced by C.
Molecular consequence: splice acceptor variant.
Genome position (GRCh38, 1-based): chr5:224,358, A>C. VCF-style: chr5-224358-A-C. GRCh37 (hg19) VCF-style: chr5-224473-A-C.
Other names: c.151-2A>C (NM_001330758.2, NM_001294332.2).
Identifiers: ClinVar variation 5042199 (VCV005042199.1).
Genomic context (GRCh38, chr5:224,358, plus strand): 5'-CAAGATTCTTCATGTTTGGCATAGTGGAACATGTGATTGACAGGTGAATTTTTCTTTTCC[A>C]GATTTCTGCTCAGTATCCAGTAGTGGATCATGAATTTGATGCAGTGGTGGTAGGCGCTGG-3'